The following is an entry in ClinVar:

ClinVar aggregate classification (germline): Pathogenic. Review status: reviewed by expert panel (3 of 4 stars). 19 submissions from 19 submitters: Pathogenic (1). 18 of the submissions do not count toward it. Last evaluated 2022-03-16.

Conditions:
ATM-related cancer predisposition. Also called: ATM-related cancer susceptibility. Identifiers: MedGen CN377759, MONDO:0700270.
ATM-related disorder. Also called: ATM-related disorders; ATM-related condition.
Hereditary cancer-predisposing syndrome. Also called: Neoplastic Syndromes, Hereditary; Hereditary Cancer Syndrome; Tumor predisposition; Hereditary neoplastic syndrome. Identifiers: Orphanet 140162, MedGen C0027672, MeSH D009386, MONDO:0015356.
Familial cancer of breast. Also called: BREAST CANCER, FAMILIAL; hereditary breast carcinoma; Hereditary breast cancer. Identifiers: Orphanet 227535, MedGen C0346153, MONDO:0016419, OMIM 114480. Disease mechanism: loss of function.
Ataxia-telangiectasia syndrome (AT). Also called: Ataxia-telangiectasia, complementation group D; AT, COMPLEMENTATION GROUP C; Ataxia-telangiectasia; ATAXIA-TELANGIECTASIA, COMPLEMENTATION GROUP A; ATAXIA-TELANGIECTASIA, FRESNO VARIANT; Ataxia-telangiectasia, complementation group E. Identifiers: Orphanet 100, MedGen C0004135, MONDO:0008840, OMIM 208900.

Allele frequency attached by ClinVar (database versions not stated): gnomAD exomes 0.00001 and 0.00002; gnomAD 0.00001; TOPMed 0.00001.

Submissions 1 to 10 of 19:

ClinGen Hereditary Breast, Ovarian and Pancreatic Cancer Variant Curation Expert Panel, ClinGen
Classification: Pathogenic for ATM-related cancer predisposition. Last evaluated: 2022-03-16. Review status: reviewed by expert panel. Criteria: clingen hbop acmg specifications atm v1-1. Collection method: curation. Allele origin: germline. Inheritance: Autosomal dominant inheritance.
Comment: The ATM c.6997dupA (p.Thr2333Nfs*40) variant is expected to produce an NMD-prone transcript due to a nonsense or frameshifting event (PVS1). In the absence of potential splicing rescue mechanisms in ATM, all PVS1-eligble truncating variants are expected to be pathogenic based on the existence of known pathogenic C-terminal truncations in the last exon (PM5_Supporting). This variant has been observed in a compound heterozygous state (presumed) or with a second variant unidentified in four individuals with Ataxia-Telangiectasia (PMID 21459046, 10817650, 9463314, Clinical Laboratory Data: PM3_Strong). Variant is absent in the GnomAD v2.1.1 cohort (PM2_Supporting). In summary, this variant meets criteria to be classified as pathogenic based on the ACMG/AMP criteria applied as specified by the HBOP Variant Curation Expert Panel

PreventionGenetics, part of Exact Sciences
Classification: Pathogenic for ATM-related condition. Last evaluated: 2026-05-20. Review status: criteria provided, single submitter. Criteria: ACMG Guidelines, 2015. Collection method: clinical testing. Allele origin: germline. Not counted in ClinVar's aggregate classification.
Comment: The ATM c.6997dupA variant is predicted to result in a frameshift and premature protein termination (p.Thr2333Asnfs*40). This variant has been reported alone or with a second ATM variant in individuals with ataxia telangiectasia (Stankovic et al. 1998. PubMed ID: 9463314; Exley et al. 2011. PubMed ID: 21459046). It has also been reported in individuals with breast (Goldgar et al. 2011. PubMed ID: 21787400), ovarian (Supplemental Table 1, Carter et al. 2018. PubMed ID: 30322717), colorectal (Smith et al. 2013. PubMed ID: 23585368), or prostate cancer (Table S4, Karlsson et al. 2021. PubMed ID: 33436325). This variant is reported in 0.0023% of alleles in individuals of European (non-Finnish) descent in gnomAD. It is classified as pathogenic by the ClinGen Hereditary Breast, Ovarian, and Pancreatic Cancer Variant Curation Expert Panel (Variation ID: 140818). Frameshift variants in ATM are expected to be pathogenic. This variant is interpreted as pathogenic.

Labcorp Genetics (formerly Invitae), Labcorp
Classification: Pathogenic for Ataxia-telangiectasia syndrome. Last evaluated: 2026-02-03. Review status: criteria provided, single submitter. Criteria: Invitae Variant Classification Sherloc (09022015). Collection method: clinical testing. Allele origin: germline. Not counted in ClinVar's aggregate classification.
Comment: This sequence change creates a premature translational stop signal (p.Thr2333Asnfs*40) in the ATM gene. It is expected to result in an absent or disrupted protein product. Loss-of-function variants in ATM are known to be pathogenic (PMID: 23807571, 25614872). The frequency data for this variant in the population databases is considered unreliable, as metrics indicate poor data quality at this position in the gnomAD database. This premature translational stop signal has been observed in individual(s) with colorectal cancer and breast cancer and ataxia-telangiectasia (PMID: 9463314, 21787400, 23585368, 26845104). ClinVar contains an entry for this variant (Variation ID: 140818). RNA analysis performed to evaluate the impact of this premature translational stop signal on mRNA splicing indicates it does not significantly alter splicing (internal data). For these reasons, this variant has been classified as Pathogenic.

Center for Genomic Medicine, Rigshospitalet, Copenhagen University Hospital
Classification: Pathogenic. Last evaluated: 2025-03-04. Review status: criteria provided, single submitter. Criteria: ACMG Guidelines, 2015. Collection method: clinical testing. Allele origin: germline. Not counted in ClinVar's aggregate classification.

Natera, Inc.
Classification: Pathogenic for Ataxia-telangiectasia. Last evaluated: 2025-02-19. Review status: criteria provided, single submitter. Criteria: Natera Variant Classification Schema (03/2026). Collection method: clinical testing. Allele origin: germline. Not counted in ClinVar's aggregate classification.
Comment: The c.6997dupA variant in ATM is a frameshift variant predicted to shift the reading frame beginning at codon 2333 and leads to a stop codon 40 codons downstream. This variant is expected to result in nonsense mediated decay, truncation, or a dysfunctional protein product. This variant is rare in the general population with a frequency below the threshold expected for the associated phenotype(s). This variant has been observed in one or more individuals affected with the associated recessive disease, as either homozygous or compound heterozygous with a second variant (PMID: 26896183). Given the available evidence, this variant is classified as Pathogenic.

Ambry Genetics
Classification: Pathogenic for Hereditary cancer-predisposing syndrome. Last evaluated: 2024-10-31. Review status: criteria provided, single submitter. Criteria: Ambry Variant Classification Scheme 2023. Collection method: clinical testing. Allele origin: germline. Not counted in ClinVar's aggregate classification.
Comment: The c.6997dupA pathogenic mutation, located in coding exon 47 of the ATM gene, results from a duplication of A at nucleotide position 6997, causing a translational frameshift with a predicted alternate stop codon (p.T2333Nfs*40). This mutation has been reported in multiple individuals with ataxia-telangiectasia (Stankovic T et al. Am. J. Hum. Genet. 1998 Feb;62:334-45; Li A et al. Am. J. Med. Genet. 2000 May;92:170-7; Exley AR et al. Clin. Immunol. 2011 Jul;140:26-36; Mandola AB et al. Front Immunol, 2019 Dec;10:2940). It has also been reported in patients with personal and/or family histories of early onset breast cancer, ovarian cancer, and prostate cancer (Goldgar DE et al. Breast Cancer Res. 2011 Jul;13:R73; Tung N et al. Cancer, 2015 Jan;121:25-33; Maxwell KN et al. Am. J. Hum. Genet. 2016 May;98:801-17; Carter NJ et al. Gynecol Oncol, 2018 12;151:481-488; Karlsson Q et al. Eur Urol Oncol, 2021 Aug;4:570-579). In addition to the clinical data presented in the literature, this alteration is expected to result in loss of function by premature protein truncation or nonsense-mediated mRNA decay. As such, this alteration is interpreted as a disease-causing mutation.

Blueprint Genetics
Classification: Pathogenic for ATM-related disorders. Last evaluated: 2024-07-31. Review status: criteria provided, single submitter. Criteria: ACMG Guidelines, 2015. Collection method: clinical testing. Allele origin: germline. Affected: yes. Observed: 3 variant alleles. Not counted in ClinVar's aggregate classification.

Color Diagnostics, LLC DBA Color Health
Classification: Pathogenic for Hereditary cancer-predisposing syndrome. Last evaluated: 2024-07-26. Review status: criteria provided, single submitter. Criteria: ACMG Guidelines, 2015. Collection method: clinical testing. Allele origin: germline. Not counted in ClinVar's aggregate classification.
Comment: This variant inserts 1 nucleotide in exon 48 of the ATM gene, creating a frameshift and premature translation stop signal. This variant is expected to result in an absent or non-functional protein product. This variant has been reported in individuals affected with ataxia telangiectasia (PMID: 9463314, 10817650, 15928302, 31921190), including at least one individual who was confirmed to carry this variant in the compound heterozygous state (PMID: 31921190). This variant has also been reported in individuals affected with breast cancer and ovarian cancer (PMID: 25186627, 26845104, 30322717). This variant has been identified in 2/245820 chromosomes in the general population by the Genome Aggregation Database (gnomAD). Loss of ATM function is a known mechanism of disease. Based on the available evidence, this variant is classified as Pathogenic.

Baylor Genetics
Classification: Pathogenic for Familial cancer of breast. Last evaluated: 2024-02-24. Review status: criteria provided, single submitter. Criteria: ACMG Guidelines, 2015. Collection method: clinical testing. Allele origin: unknown. Not counted in ClinVar's aggregate classification.

Myriad Genetics, Inc.
Classification: Pathogenic for Familial cancer of breast. Last evaluated: 2024-01-30. Review status: criteria provided, single submitter. Criteria: Myriad Autosomal Dominant, Autosomal Recessive and X-Linked Classification Criteria (2023). Collection method: clinical testing. Allele origin: unknown. Not counted in ClinVar's aggregate classification.
Comment: This variant is considered pathogenic. This variant creates a frameshift predicted to result in premature protein truncation.

NM_000051.4(ATM):c.6997dup

Genes: ATM (ATM serine/threonine kinase; plus strand), C11orf65 (chromosome 11 open reading frame 65; minus strand). Cytogenetic location: 11q22.3.
Variant type: Duplication.
Coding change: c.6997dup on transcript NM_000051.4 (MANE Select); coding-DNA position 6997, one base duplicated (A; older notation c.6997dupA).
Molecular consequence: frameshift variant. On other transcripts: intron variant (2).
Genome position (GRCh38, 1-based): chr11:108,327,666, A duplicated. VCF-style (leftmost placement, unchanged base first): chr11-108327665-T-TA. GRCh37 (hg19) VCF-style: chr11-108198392-T-TA.
Other names: c.6997dupA (NM_000051.3, NM_000051.4); c.6997dup, p.Thr2333fs (NM_001351834.2); c.641-18595dup (NM_001330368.2); c.*38+7554dup (NM_001351110.2); short protein forms T2333fs.
Identifiers: ClinVar variation 140818 (VCV000140818.52), dbSNP rs587781299, ClinGen allele CA345709.
Genomic context (GRCh38, chr11:108,327,665, plus strand): 5'-GTAATGCATTATATTTTAAGATTTTGCCTTTCTTATACAGAACAATCCCAGCCTAAAACT[T>TA]ACATACACAGAATGTCTGAGGGTTTGTGGCAACTGGTTAGCAGAAACGTGCTTAGAAAAT-3'